The following is an entry in ClinVar:

NM_006059.4(LAMC3):c.2554G>A (p.Gly852Arg)

Gene: LAMC3 (laminin subunit gamma 3; plus strand). Cytogenetic location: 9q34.12.
Variant type: single nucleotide variant.
Coding change: c.2554G>A on transcript NM_006059.4 (MANE Select); coding-DNA position 2554, G replaced by A.
Protein change: p.Gly852Arg; replaces glycine 852 with arginine.
Molecular consequence: missense variant.
Genome position (GRCh38, 1-based): chr9:131,067,166, G>A. VCF-style: chr9-131067166-G-A. GRCh37 (hg19) VCF-style: chr9-133942553-G-A.
Other names: short protein forms G852R.
Identifiers: ClinVar variation 2068464 (VCV002068464.3), dbSNP rs267602144, ClinGen allele CA5287470.

ClinVar aggregate classification (germline): Uncertain significance. Review status: criteria provided, multiple submitters, no conflicts (2 of 4 stars). 2 submissions from 2 submitters: Uncertain significance (2). Last evaluated 2026-03-09.

Allele frequency attached by ClinVar (database versions not stated): ExAC 0.00002; TOPMed 0.00002; gnomAD 0.00001.
gnomAD v4.1: 14 of 1,613,994 alleles (0.00087%); highest among the groups gnomAD compares: South Asian, 0.0033%; no homozygotes.

Submissions (2):

Women's Health and Genetics/Laboratory Corporation of America, LabCorp
Classification: Uncertain significance. Last evaluated: 2026-03-09. Review status: criteria provided, single submitter. Criteria: LabCorp Variant Classification Summary - May 2015. Collection method: clinical testing. Allele origin: germline.
Comment: Variant summary: LAMC3 c.2554G>A (p.Gly852Arg) results in a non-conservative amino acid change in the encoded protein sequence. Algorithms developed to predict the effect of missense changes on protein structure and function are either unavailable or do not agree on the potential impact of this missense change. The variant allele was found at a frequency of 1.6e-05 in 251276 control chromosomes. The available data on variant occurrences in the general population are insufficient to allow any conclusion about variant significance. To our knowledge, no occurrence of c.2554G>A in individuals affected with LAMC3-related conditions and no experimental evidence demonstrating its impact on protein function have been reported. ClinVar contains an entry for this variant (Variation ID: 2068464). Based on the evidence outlined above, the variant was classified as uncertain significance.

Labcorp Genetics (formerly Invitae), Labcorp
Classification: Uncertain significance. Last evaluated: 2022-07-06. Review status: criteria provided, single submitter. Criteria: Invitae Variant Classification Sherloc (09022015). Collection method: clinical testing. Allele origin: germline.
Comment: In summary, the available evidence is currently insufficient to determine the role of this variant in disease. Therefore, it has been classified as a Variant of Uncertain Significance. Algorithms developed to predict the effect of missense changes on protein structure and function are either unavailable or do not agree on the potential impact of this missense change (SIFT: "Deleterious"; PolyPhen-2: "Probably Damaging"; Align-GVGD: "Class C0"). This variant has not been reported in the literature in individuals affected with LAMC3-related conditions. This variant is present in population databases (rs267602144, gnomAD 0.007%). This sequence change replaces glycine, which is neutral and non-polar, with arginine, which is basic and polar, at codon 852 of the LAMC3 protein (p.Gly852Arg).